The following is an entry in ClinVar:

NM_001363118.2(SLC52A2):c.1330G>A (p.Asp444Asn)

Gene: SLC52A2 (solute carrier family 52 member 2; plus strand). Cytogenetic location: 8q24.3.
Variant type: single nucleotide variant.
Coding change: c.1330G>A on transcript NM_001363118.2 (MANE Select); coding-DNA position 1330, G replaced by A.
Protein change: p.Asp444Asn; replaces aspartic acid 444 with asparagine.
Molecular consequence: missense variant. On other transcripts: non-coding transcript variant (1).
Genome position (GRCh38, 1-based): chr8:144,361,007, G>A. VCF-style: chr8-144361007-G-A. GRCh37 (hg19) VCF-style: chr8-145584667-G-A.
Other names: c.1330G>A, p.Asp444Asn (NM_001253815.2, NM_001253816.2, NM_001363120.2 and 2 more transcripts); c.838G>A, p.Asp280Asn (NM_001363122.2); c.1066G>A, p.Asp356Asn (NM_001410949.1); short protein forms D356N, D444N, D280N.
Identifiers: ClinVar variation 1770137 (VCV001770137.2), dbSNP rs2537252785, ClinGen allele CA372630532.

ClinVar aggregate classification (germline): Uncertain significance (1 of 4 stars; one submission).

Conditions:
Inborn genetic diseases. Identifiers: MedGen C0950123, MeSH D030342.

Allele frequency attached by ClinVar (database versions not stated): gnomAD exomes below 0.00001.

Submission:

Ambry Genetics
Classification: Uncertain significance for Inborn genetic diseases. Last evaluated: 2019-09-24. Review status: criteria provided, single submitter. Criteria: Ambry Variant Classification Scheme 2023. Collection method: clinical testing. Allele origin: germline.
Comment: The p.D444N variant (also known as c.1330G>A), located in coding exon 4 of the SLC52A2 gene, results from a G to A substitution at nucleotide position 1330. The aspartic acid at codon 444 is replaced by asparagine, an amino acid with highly similar properties. This amino acid position is not conserved on species alignment. In addition, this alteration is predicted to be tolerated by in silico analysis. Since supporting evidence is limited at this time, the clinical significance of this alteration remains unclear.